The following is an entry in ClinVar:

ClinVar aggregate classification (germline): Uncertain significance (1 of 4 stars; one submission).

Conditions:
DSP-related disorder. Also called: DSP-related condition; DSP-related disorders.

Submission:

PreventionGenetics, part of Exact Sciences
Classification: Uncertain significance for DSP-related condition. Last evaluated: 2026-08-19. Review status: criteria provided, single submitter. Criteria: ACMG Guidelines, 2015. Collection method: clinical testing. Allele origin: germline.
Comment: The DSP c.6769T>A variant is predicted to result in the amino acid substitution p.Ser2257Thr. To our knowledge, this variant has not been reported in the literature or in a large population database (gnomAD), indicating this variant is rare. At this time, the clinical significance of this variant is uncertain due to the absence of conclusive functional and genetic evidence.

NM_004415.4(DSP):c.6769T>A (p.Ser2257Thr)

Gene: DSP (desmoplakin; plus strand). Cytogenetic location: 6p24.3.
Variant type: single nucleotide variant.
Coding change: c.6769T>A on transcript NM_004415.4 (MANE Select); coding-DNA position 6769, T replaced by A.
Protein change: p.Ser2257Thr; replaces serine 2257 with threonine.
Molecular consequence: missense variant.
Genome position (GRCh38, 1-based): chr6:7,584,031, T>A. VCF-style: chr6-7584031-T-A. GRCh37 (hg19) VCF-style: chr6-7584264-T-A.
Other names: c.4972T>A, p.Ser1658Thr (NM_001008844.3); c.5440T>A, p.Ser1814Thr (NM_001319034.2); short protein forms S1814T, S1658T, S2257T.
Identifiers: ClinVar variation 4993760 (VCV004993760.1).